The following is an entry in ClinVar:

NM_001379200.1(TBX1):c.1419_1430del (p.Ala482_Ala485del)

Gene: TBX1 (T-box transcription factor 1; plus strand). Cytogenetic location: 22q11.21.
Variant type: Deletion.
Coding change: c.1419_1430del on transcript NM_001379200.1 (MANE Select); coding-DNA positions 1419 to 1430, 12 bases deleted (GGCCGCCGCCGC).
Protein change: p.Ala482_Ala485del.
Molecular consequence: inframe deletion. On other transcripts: intron variant (2).
Genome position (GRCh38, 1-based): chr22:19,766,771-19,766,782, GGCCGCCGCCGC deleted; deleting any 12 consecutive bases within chr22:19,766,763-19,766,782 gives the same sequence; the c. name uses the placement nearest the transcript's 3' end. VCF-style (leftmost placement, unchanged base first): chr22-19766762-AGCCGCCGCGGCC-A. GRCh37 (hg19) VCF-style: chr22-19754285-AGCCGCCGCGGCC-A.
Other names: c.1392_1403del, p.Ala473_Ala476del (NM_080647.1); c.1009+769_1009+780del (NM_005992.1, NM_080646.2); c.1392_1403del12 (NM_080647.1).
Identifiers: ClinVar variation 855701 (VCV000855701.9), dbSNP rs751264690, ClinGen allele CA10102747.

ClinVar aggregate classification (germline): Conflicting classifications of pathogenicity. Review status: criteria provided, conflicting classifications (1 of 4 stars). 3 submissions from 3 submitters: Uncertain significance (1); Benign (1). 1 of the submissions does not count toward it. Last evaluated 2026-01-26.

Conditions:
DiGeorge syndrome. Also called: Catch22; THIRD AND FOURTH PHARYNGEAL POUCH SYNDROME. Identifiers: Orphanet 567, MedGen C0012236, MONDO:0008564, OMIM 188400.
TBX1-related disorder. Also called: TBX1-Related Disorders; TBX1-related condition.

Submissions (3):

Labcorp Genetics (formerly Invitae), Labcorp
Classification: Benign for DiGeorge syndrome. Last evaluated: 2026-01-26. Review status: criteria provided, single submitter. Criteria: Invitae Variant Classification Sherloc (09022015). Collection method: clinical testing. Allele origin: germline.

Breakthrough Genomics
Classification: Uncertain significance. Review status: criteria provided, single submitter. Criteria: ACMG Guidelines, 2015. Collection method: not provided. Allele origin: germline. Inheritance: Autosomal dominant inheritance. Affected: yes.

PreventionGenetics, part of Exact Sciences
Classification: Likely benign for TBX1-related condition. Last evaluated: 2024-03-11. Review status: no assertion criteria provided. Collection method: clinical testing. Allele origin: germline. Not counted in ClinVar's aggregate classification.
Comment: This variant is classified as likely benign based on ACMG/AMP sequence variant interpretation guidelines (Richards et al. 2015 PMID: 25741868, with internal and published modifications).